The following is an entry in ClinVar:

NM_022124.6(CDH23):c.8317G>T (p.Glu2773Ter)

Gene: CDH23 (cadherin related 23; plus strand). Cytogenetic location: 10q22.1.
Variant type: single nucleotide variant.
Coding change: c.8317G>T on transcript NM_022124.6 (MANE Select); coding-DNA position 8317, G replaced by T.
Protein change: p.Glu2773Ter; replaces glutamic acid 2773 with a stop codon.
Molecular consequence: nonsense.
Genome position (GRCh38, 1-based): chr10:71,807,524, G>T. VCF-style: chr10-71807524-G-T. GRCh37 (hg19) VCF-style: chr10-73567281-G-T.
Other names: c.1597G>T, p.Glu533Ter (NM_001171933.1, NM_001171934.1); short protein forms E2773*, E533*.
Identifiers: ClinVar variation 3601679 (VCV003601679.1).

ClinVar aggregate classification (germline): Likely pathogenic (1 of 4 stars; one submission).

Conditions:
Autosomal recessive nonsyndromic hearing loss 12. Also called: DEAFNESS, AUTOSOMAL RECESSIVE 12. Identifiers: Orphanet 90636, MedGen C1832394, MONDO:0011067, OMIM 601386.

Submission:

Institute of Rare Diseases, West China Hospital, Sichuan University
Classification: Likely pathogenic for Autosomal recessive nonsyndromic hearing loss 12. Last evaluated: 2025-01-09. Review status: criteria provided, single submitter. Criteria: ClinGen HL ACMG Specifications v1. Collection method: research. Allele origin: germline. Affected: yes.
Comment: PVS1;PM2_Supporting